The following is an entry in ClinVar:

NM_004415.4(DSP):c.5146del (p.Glu1716fs)

Gene: DSP (desmoplakin; plus strand). Cytogenetic location: 6p24.3.
Variant type: Deletion.
Coding change: c.5146del on transcript NM_004415.4 (MANE Select); coding-DNA position 5146, one base deleted (G; older notation c.5146delG).
Protein change: p.Glu1716fs; shifts the reading frame from glutamic acid 1716.
Molecular consequence: frameshift variant. On other transcripts: intron variant (2).
Genome position (GRCh38, 1-based): chr6:7,581,336, G deleted; the last of 2 consecutive G bases (chr6:7,581,335-7,581,336); deleting either gives the same sequence. VCF-style (leftmost placement, unchanged base first): chr6-7581334-AG-A. GRCh37 (hg19) VCF-style: chr6-7581567-AG-A.
Other names: c.4050+1096del (NM_001319034.2); c.3583-1306del (NM_001008844.3); short protein forms E1716fs.
Identifiers: ClinVar variation 2034692 (VCV002034692.4), dbSNP rs2533931787, ClinGen allele CA2580075411.

ClinVar aggregate classification (germline): Pathogenic (1 of 4 stars; one submission).

Conditions:
Arrhythmogenic right ventricular dysplasia 8 (ARVD8). Also called: ARRHYTHMOGENIC RIGHT VENTRICULAR CARDIOMYOPATHY 8; Arrhythmogenic Right Ventricular Dysplasia/Cardiomyopathy 8; ARRHYTHMOGENIC RIGHT VENTRICULAR DYSPLASIA, FAMILIAL, 8. Identifiers: MedGen C1843896, MONDO:0011831, OMIM 607450.
Arrhythmogenic cardiomyopathy with wooly hair and keratoderma. Also called: Arrhythmogenic cardiomyopathy with woolly hair and keratoderma; PALMOPLANTAR KERATODERMA WITH LEFT VENTRICULAR CARDIOMYOPATHY AND WOOLLY HAIR; Carvajal syndrome; Dilated cardiomyopathy with woolly hair and keratoderma. Identifiers: Orphanet 65282, MedGen C1854063, MONDO:0011581, OMIM 605676.

Submission:

Labcorp Genetics (formerly Invitae), Labcorp
Classification: Pathogenic for Arrhythmogenic cardiomyopathy with wooly hair and keratoderma; Arrhythmogenic right ventricular dysplasia 8. Last evaluated: 2023-06-17. Review status: criteria provided, single submitter. Criteria: Invitae Variant Classification Sherloc (09022015). Collection method: clinical testing. Allele origin: germline.
Comment: This variant has not been reported in the literature in individuals affected with DSP-related conditions. This variant is not present in population databases (gnomAD no frequency). This sequence change creates a premature translational stop signal (p.Glu1716Serfs*3) in the DSP gene. It is expected to result in an absent or disrupted protein product. Loss-of-function variants in DSP are known to be pathogenic (PMID: 20716751, 24503780, 25227139). ClinVar contains an entry for this variant (Variation ID: 2034692). For these reasons, this variant has been classified as Pathogenic.

Literature cited by the submitters: PubMed 20716751; PubMed 24503780; PubMed 25227139.